The following is an entry in ClinVar:

NM_000211.5(ITGB2):c.618C>T (p.His206=)

Gene: ITGB2 (integrin subunit beta 2; minus strand). Cytogenetic location: 21q22.3.
Variant type: single nucleotide variant.
Coding change: c.618C>T on transcript NM_000211.5 (MANE Select); coding-DNA position 618, C replaced by T.
Protein change: p.His206=; no amino-acid change (histidine 206 retained).
Molecular consequence: synonymous variant.
Genome position (GRCh38, 1-based): chr21:44,901,615, G>A on the plus strand (C>T on the coding strand, the complement: ITGB2 is on the minus strand). VCF-style: chr21-44901615-G-A. GRCh37 (hg19) VCF-style: chr21-46321530-G-A.
Other names: c.618C>T, p.His206= (NM_001127491.3); c.411C>T, p.His137= (NM_001303238.2); c.618C>T (NM_000211.4).
Identifiers: ClinVar variation 1095642 (VCV001095642.12), dbSNP rs764171169, ClinGen allele CA10063148.
Genomic context (GRCh38, chr21:44,901,615, plus strand): 5'-AATCAGCTGCTTCCCGACCTCGGTCTGAAACTGGTTGGAGTTGTTGGTCAGCTTCAGCAC[G>A]TGCCTGAAGGCAAACGGGGGCTGGCACTCTTTCTCCTTGTTGGGGCATGGGTTTCGCAGC-3'
Protein context (NP_000202.3, residues 196-216): KECQPPFAFR[His206=]VLKLTNNSNQ

ClinVar aggregate classification (germline): Likely benign. Review status: criteria provided, multiple submitters, no conflicts (2 of 4 stars). 3 submissions from 3 submitters: Likely benign (2). 1 of the submissions does not count toward it. Last evaluated 2025-11-03.

Conditions:
ITGB2-related disorder. Also called: ITGB2-related condition.
Leukocyte adhesion deficiency 1 (LAD1). Also called: LAD 1; Lymphocyte function-associated antigen 1 immunodeficiency; LFA 1 immunodeficiency; LEUKOCYTE ADHESION DEFICIENCY, TYPE I. Identifiers: Orphanet 2968, Orphanet 99842, MedGen C0398738, MONDO:0007293, OMIM 116920.

Allele frequency attached by ClinVar (database versions not stated): gnomAD 0.00005; gnomAD exomes 0.00006 and 0.00012; ExAC 0.00011.
gnomAD v4.1: 93 of 1,614,260 alleles (0.0058%); highest among the groups gnomAD compares: East Asian, 0.036%; no homozygotes.

Submissions (3):

Labcorp Genetics (formerly Invitae), Labcorp
Classification: Likely benign for Leukocyte adhesion deficiency 1. Last evaluated: 2025-11-03. Review status: criteria provided, single submitter. Criteria: Invitae Variant Classification Sherloc (09022015). Collection method: clinical testing. Allele origin: germline.

Blueprint Genetics
Classification: Likely benign. Last evaluated: 2024-01-22. Review status: criteria provided, single submitter. Criteria: ACMG Guidelines, 2015. Collection method: clinical testing. Allele origin: germline.

PreventionGenetics, part of Exact Sciences
Classification: Likely benign for ITGB2-related condition. Last evaluated: 2020-03-30. Review status: no assertion criteria provided. Collection method: clinical testing. Allele origin: germline. Not counted in ClinVar's aggregate classification.
Comment: This variant is classified as likely benign based on ACMG/AMP sequence variant interpretation guidelines (Richards et al. 2015 PMID: 25741868, with internal and published modifications).